The following is an entry in ClinVar:

ClinVar aggregate classification (germline): Likely benign (1 of 4 stars; one submission).

gnomAD v4.1: 721 of 1,613,988 alleles (0.045%); highest among the groups gnomAD compares: Non-Finnish European, 0.057%; no homozygotes.

Submission:

CeGaT Center for Human Genetics Tuebingen
Classification: Likely benign. Last evaluated: 2026-01-01. Review status: criteria provided, single submitter. Criteria: CeGaT Center For Human Genetics Tuebingen Variant Classification Criteria Version 2. Collection method: clinical testing. Allele origin: germline. Affected: yes. Observed: 1 variant allele.
Comment: OGDHL: BP4, BP7

NM_018245.3(OGDHL):c.1785G>T (p.Gly595=)

Gene: OGDHL (oxoglutarate dehydrogenase L; minus strand). Cytogenetic location: 10q11.23.
Variant type: single nucleotide variant.
Coding change: c.1785G>T on transcript NM_018245.3 (MANE Select); coding-DNA position 1785, G replaced by T.
Protein change: p.Gly595=; no amino-acid change (glycine 595 retained).
Molecular consequence: synonymous variant. On other transcripts: non-coding transcript variant (5).
Genome position (GRCh38, 1-based): chr10:49,744,070, C>A on the plus strand (G>T on the coding strand, the complement: OGDHL is on the minus strand). VCF-style: chr10-49744070-C-A. GRCh37 (hg19) VCF-style: chr10-50952116-C-A.
Other names: c.1614G>T, p.Gly538= (NM_001143996.2, NM_001347820.1); c.1158G>T, p.Gly386= (NM_001143997.2, NM_001347821.2, NM_001347822.1); c.1785G>T, p.Gly595= (NM_001347819.1); c.1605G>T, p.Gly535= (NM_001347823.1, NM_001347824.2); c.978G>T, p.Gly326= (NM_001347825.2); c.588G>T, p.Gly196= (NM_001347826.1).
Identifiers: ClinVar variation 4822055 (VCV004822055.4).
Genomic context (GRCh38, chr10:49,744,070, plus strand): 5'-GTCCTCCAGGGGCACAGAGCTGGCCACACTGCCGATGTGGGTGAGCATGTCCTCAGGGAT[C>A]CCCGTGGCTGGGCATGTCATGCTCTTGGGCTCCCCATCTACGTTGAAGAAGCCTGAGAGG-3'
Protein context (NP_060715.2, residues 585-605): EPKSMTCPAT[Gly595=]IPEDMLTHIG